The following is an entry in ClinVar:

NM_001290043.2(TAP2):c.629G>A (p.Arg210Gln)

Genes: TAP2 (transporter 2, ATP binding cassette subfamily B member; minus strand), LOC107648851 (meiotic recombination hotspot TAP2; plus strand). Cytogenetic location: 6p21.32.
Variant type: single nucleotide variant.
Coding change: c.629G>A on transcript NM_001290043.2 (MANE Select); coding-DNA position 629, G replaced by A.
Protein change: p.Arg210Gln; replaces arginine 210 with glutamine.
Molecular consequence: missense variant.
Genome position (GRCh38, 1-based): chr6:32,835,753, C>T on the plus strand (G>A on the coding strand, the complement: TAP2 is on the minus strand). VCF-style: chr6-32835753-C-T. GRCh37 (hg19) VCF-style: chr6-32803530-C-T.
Other names: c.629G>A, p.Arg210Gln (NM_000544.3, NM_018833.3); short protein forms R210Q.
Identifiers: ClinVar variation 2577009 (VCV002577009.1), dbSNP rs1435293714, ClinGen allele CA363585381.

ClinVar aggregate classification (germline): Uncertain significance (1 of 4 stars; one submission).

Conditions:
MHC class I deficiency. Identifiers: Orphanet 34592, MedGen C6024714, MONDO:0011476.

Allele frequency attached by ClinVar (database versions not stated): TOPMed below 0.00001.
gnomAD v4.1: 17 of 1,613,048 alleles (0.0011%); highest among the groups gnomAD compares: Non-Finnish European, 0.0014%; no homozygotes.

Submission:

Diagnostics Services (NGS), CSIR - Centre For Cellular And Molecular Biology
Classification: Uncertain significance for MHC class I deficiency 1. Last evaluated: 2023-08-04. Review status: criteria provided, single submitter. Criteria: ACMG Guidelines, 2015. Collection method: clinical testing. Allele origin: germline. Affected: yes. Observed: 1 variant allele, 1 homozygote.
Comment: The c.629G>A variant is not present in publicly available population databases like 1000 Genomes, ExAC, EVS, gnomAD, Indian Exome Database or our in-house exome database. This variant has neither been published in literature for TAP2-related conditions nor reported to clinical databases like ClinVar, Human Genome Mutation Database (HGMD) or OMIM, in any affected individuals. In-silico pathogenicity prediction programs like SIFT, PolyPhen-2, MutationTaster2, CADD etc predicted this variant to be likely deleterious however these predictions were not confirmed by published functional studies.